The following is an entry in ClinVar:

NM_000179.3(MSH6):c.3670G>C (p.Gly1224Arg)

Gene: MSH6 (mutS homolog 6; plus strand). Cytogenetic location: 2p16.3.
Variant type: single nucleotide variant.
Coding change: c.3670G>C on transcript NM_000179.3 (MANE Select); coding-DNA position 3670, G replaced by C.
Protein change: p.Gly1224Arg; replaces glycine 1224 with arginine.
Molecular consequence: missense variant.
Genome position (GRCh38, 1-based): chr2:47,806,227, G>C. VCF-style: chr2-47806227-G-C. GRCh37 (hg19) VCF-style: chr2-48033366-G-C.
Other names: c.3280G>C, p.Gly1094Arg (NM_001281492.2); c.2764G>C, p.Gly922Arg (NM_001281493.2, NM_001281494.2); short protein forms G1094R, G1224R, G922R.
Identifiers: ClinVar variation 644019 (VCV000644019.11), dbSNP rs1553332985, ClinGen allele CA346760859.

ClinVar aggregate classification (germline): Uncertain significance. Review status: criteria provided, multiple submitters, no conflicts (2 of 4 stars). 4 submissions from 4 submitters: Uncertain significance (4). Last evaluated 2025-08-10.

Conditions:
Hereditary nonpolyposis colorectal neoplasms. Identifiers: MedGen C0009405, MeSH D003123.
Colorectal cancer. Also called: Colorectal cancer, somatic; Malignant Colorectal Neoplasm. Identifiers: MedGen C0346629, MONDO:0005575, OMIM 114500.
Hereditary cancer-predisposing syndrome. Also called: Neoplastic Syndromes, Hereditary; Tumor predisposition; Hereditary neoplastic syndrome; Hereditary Cancer Syndrome. Identifiers: Orphanet 140162, MedGen C0027672, MeSH D009386, MONDO:0015356.

Submissions (4):

Color Diagnostics, LLC DBA Color Health
Classification: Uncertain significance for Hereditary cancer-predisposing syndrome. Last evaluated: 2025-08-10. Review status: criteria provided, single submitter. Criteria: ACMG Guidelines, 2015. Collection method: clinical testing. Allele origin: germline.
Comment: This missense variant replaces glycine with arginine at codon 1224 of the MSH6 protein. Computational prediction suggests that this variant may have deleterious impact on protein structure and function. To our knowledge, functional studies have not been reported for this variant. This variant has not been reported in individuals affected with MSH6-related disorders in the literature. This variant has not been identified in the general population by the Genome Aggregation Database (gnomAD). The available evidence is insufficient to determine the role of this variant in disease conclusively. Therefore, this variant is classified as a Variant of Uncertain Significance.

Clinical Genetics Laboratory, Skane University Hospital Lund
Classification: Uncertain significance for Colorectal cancer. Last evaluated: 2025-08-05. Review status: criteria provided, single submitter. Criteria: ACMG Guidelines, 2015. Collection method: clinical testing. Allele origin: germline. Affected: yes.
Comment: ACMG criteria used: PM2 supporting (absent from GnomAD v4.1.0), PP3 moderate (Missense variant with HCI prior probability for pathogenicity >0.81 as per an online resource (for this variant 0.9))

Labcorp Genetics (formerly Invitae), Labcorp
Classification: Uncertain significance for Hereditary nonpolyposis colorectal neoplasms. Last evaluated: 2025-08-03. Review status: criteria provided, single submitter. Criteria: Invitae Variant Classification Sherloc (09022015). Collection method: clinical testing. Allele origin: germline.
Comment: This sequence change replaces glycine, which is neutral and non-polar, with arginine, which is basic and polar, at codon 1224 of the MSH6 protein (p.Gly1224Arg). This variant is not present in population databases (gnomAD no frequency). This variant has not been reported in the literature in individuals affected with MSH6-related conditions. ClinVar contains an entry for this variant (Variation ID: 644019). Invitae Evidence Modeling of protein sequence and biophysical properties (such as structural, functional, and spatial information, amino acid conservation, physicochemical variation, residue mobility, and thermodynamic stability) indicates that this missense variant is expected to disrupt MSH6 protein function with a positive predictive value of 80%. In summary, the available evidence is currently insufficient to determine the role of this variant in disease. Therefore, it has been classified as a Variant of Uncertain Significance.

Breakthrough Genomics
Classification: Uncertain significance. Review status: criteria provided, single submitter. Criteria: ACMG Guidelines, 2015. Collection method: not provided. Allele origin: germline. Inheritance: Autosomal recessive inheritance. Affected: yes.